The following is an entry in ClinVar:

NM_032638.5(GATA2):c.102G>C (p.Met34Ile)

Gene: GATA2 (GATA binding protein 2; minus strand). Cytogenetic location: 3q21.3.
Variant type: single nucleotide variant.
Coding change: c.102G>C on transcript NM_032638.5 (MANE Select); coding-DNA position 102, G replaced by C.
Protein change: p.Met34Ile; replaces methionine 34 with isoleucine.
Molecular consequence: missense variant.
Genome position (GRCh38, 1-based): chr3:128,486,930, C>G on the plus strand (G>C on the coding strand, the complement: GATA2 is on the minus strand). VCF-style: chr3-128486930-C-G. GRCh37 (hg19) VCF-style: chr3-128205773-C-G.
Other names: c.102G>C, p.Met34Ile (NM_001145661.2, NM_001145662.1); short protein forms M34I.
Identifiers: ClinVar variation 1692022 (VCV001692022.2), dbSNP rs2107673586, ClinGen allele CA354408883.
Genomic context (GRCh38, chr3:128,486,930, plus strand): 5'-CGAGTCGAGGTGATTGAAGAAGACGTCCACCTCGTCTGGAGGCAGCAGCTGCGCGGGTTC[C>G]ATGTAGTTGTGCGCCAGGCCCGGGTGGTGTGAGTCGGGGTGCTGCGCATTCAGCACGGCC-3'
Protein context (NP_116027.2, residues 24-44): SHHPGLAHNY[Met34Ile]EPAQLLPPDE

ClinVar aggregate classification (germline): Uncertain significance. Review status: criteria provided, multiple submitters, no conflicts (2 of 4 stars). 2 submissions from 2 submitters: Uncertain significance (2). Last evaluated 2026-03-31.

Conditions:
Inborn genetic diseases. Identifiers: MedGen C0950123, MeSH D030342.
Hereditary cancer-predisposing syndrome. Also called: Hereditary Cancer Syndrome; Neoplastic Syndromes, Hereditary; Hereditary neoplastic syndrome; Tumor predisposition. Identifiers: Orphanet 140162, MedGen C0027672, MeSH D009386, MONDO:0015356.

Submissions (2):

Ambry Genetics
Classification: Uncertain significance for Inborn genetic diseases. Last evaluated: 2026-03-31. Review status: criteria provided, single submitter. Criteria: Ambry Variant Classification Scheme 2023. Collection method: clinical testing. Allele origin: germline.
Comment: The p.M34I variant (also known as c.102G>C), located in coding exon 1 of the GATA2 gene, results from a G to C substitution at nucleotide position 102. The methionine at codon 34 is replaced by isoleucine, an amino acid with highly similar properties. This amino acid position is highly conserved in available vertebrate species. In addition, this alteration is predicted to be deleterious by in silico analysis. Based on the available evidence, the clinical significance of this variant remains unclear.

Sema4
Classification: Uncertain significance for Hereditary cancer-predisposing syndrome. Last evaluated: 2021-07-29. Review status: criteria provided, single submitter. Criteria: Sema4 Curation Guidelines. Collection method: curation. Allele origin: germline.
Comment: The GATA2 c.102G>C (p.M34I) variant has not been reported in the literature to our knowledge. It was not observed in the Genome Aggregation Database. The variant has not been reported in ClinVar. In silico tools suggest the impact of the variant on protein function is deleterious, though these predictions have not been confirmed by functional studies. The evidence is insufficient to meet ACMG/AMP criteria for classifying the variant as benign or pathogenic. Thus, the clinical significance of this variant is currently uncertain.